The following is an entry in ClinVar:

ClinVar aggregate classification (germline): Pathogenic/Likely pathogenic. Review status: criteria provided, multiple submitters, no conflicts (2 of 4 stars). 9 submissions from 9 submitters: Pathogenic (6); Likely pathogenic (1). 2 of the submissions do not count toward it. Last evaluated 2026-02-01.

Conditions:
Deficiency of galactokinase. Also called: GALACTOSEMIA II; Galactokinase deficiency with cataracts. Identifiers: Orphanet 352, Orphanet 79237, MedGen C0268155, MONDO:0009255, OMIM 230200.

Allele frequency attached by ClinVar (database versions not stated): gnomAD exomes 0.00001; TOPMed 0.00001; ExAC 0.00003.

Submissions (9):

CeGaT Center for Human Genetics Tuebingen
Classification: Pathogenic. Last evaluated: 2026-02-01. Review status: criteria provided, single submitter. Criteria: CeGaT Center For Human Genetics Tuebingen Variant Classification Criteria Version 2. Collection method: clinical testing. Allele origin: germline. Affected: yes. Observed: 4 variant alleles.
Comment: GALK1: PP1:Strong, PM2, PM3, PP4:Moderate, PP3, PS3:Supporting

Natera, Inc.
Classification: Likely pathogenic for Deficiency of galactokinase. Last evaluated: 2025-10-07. Review status: criteria provided, single submitter. Criteria: Natera Variant Classification Schema (03/2026). Collection method: clinical testing. Allele origin: germline.
Comment: The c.82C>A variant in GALK1 is a missense variant predicted to cause substitution of proline to threonine at amino acid 28. This variant is rare in the general population with a frequency below the threshold expected for the associated phenotype(s). This variant has been observed in one or more individuals affected with the associated recessive disease, as either homozygous or compound heterozygous with a second variant (PMID: 21290184). Additionally, this variant has been observed to segregate in affected family members (PMID: 21290184). Computational prediction algorithms indicate this variant is likely to affect gene or protein function. Given the available evidence, this variant is classified as Likely Pathogenic.

Department of Human Genetics, Hannover Medical School
Classification: Pathogenic for Deficiency of galactokinase. Last evaluated: 2024-11-15. Review status: criteria provided, single submitter. Criteria: ACMG Guidelines, 2015. Collection method: clinical testing. Allele origin: germline. Inheritance: Autosomal recessive inheritance. Affected: yes.
Comment: ACMG: PS3_Supporting, PM2_Supporting, PM3, PP1_Supporting, PP3, PP4_Strong

Labcorp Genetics (formerly Invitae), Labcorp
Classification: Pathogenic for Deficiency of galactokinase. Last evaluated: 2024-08-12. Review status: criteria provided, single submitter. Criteria: Invitae Variant Classification Sherloc (09022015). Collection method: clinical testing. Allele origin: germline.
Comment: This sequence change replaces proline, which is neutral and non-polar, with threonine, which is neutral and polar, at codon 28 of the GALK1 protein (p.Pro28Thr). The frequency data for this variant in the population databases is considered unreliable, as metrics indicate poor data quality at this position in the gnomAD database. This missense change has been observed in individuals with galactokinase deficiency (PMID: 10521295, 10790206, 11978883, 11978884, 12647253, 21290184). It has also been observed to segregate with disease in related individuals. ClinVar contains an entry for this variant (Variation ID: 5630). Advanced modeling of protein sequence and biophysical properties (such as structural, functional, and spatial information, amino acid conservation, physicochemical variation, residue mobility, and thermodynamic stability) performed at Invitae indicates that this missense variant is not expected to disrupt GALK1 protein function with a negative predictive value of 80%. Experimental studies have shown that this missense change affects GALK1 function (PMID: 10790206). For these reasons, this variant has been classified as Pathogenic.

GeneDx
Classification: Pathogenic. Last evaluated: 2022-10-13. Review status: criteria provided, single submitter. Criteria: GeneDx Variant Classification Process June 2021. Collection method: clinical testing. Allele origin: germline. Affected: yes.
Comment: Not observed at significant frequency in large population cohorts (gnomAD); In silico analysis supports that this missense variant has a deleterious effect on protein structure/function; This variant is associated with the following publications: (PMID: 21264483, 29893426, 31589614, 7670469, 12694189, 10521295, 32807972)

Fulgent Genetics
Classification: Pathogenic for Deficiency of galactokinase. Last evaluated: 2021-12-16. Review status: criteria provided, single submitter. Criteria: ACMG Guidelines, 2015. Collection method: clinical testing. Allele origin: unknown.

Revvity Omics, Revvity
Classification: Pathogenic for Deficiency of galactokinase. Last evaluated: 2019-08-22. Review status: criteria provided, single submitter. Criteria: ACMG Guidelines, 2015. Collection method: clinical testing. Allele origin: germline.

Counsyl
Classification: Pathogenic for Deficiency of galactokinase. Last evaluated: 2017-07-12. Review status: no assertion criteria provided. Collection method: clinical testing. Allele origin: unknown. Not counted in ClinVar's aggregate classification.

OMIM
Classification: Pathogenic for GALACTOSEMIA II. Last evaluated: 2004-10-01. Review status: no assertion criteria provided. Collection method: literature only. Allele origin: germline. Not counted in ClinVar's aggregate classification.

Literature cited by the submitters: PubMed 21290184 (cited by Natera, Inc. and Labcorp Genetics (formerly Invitae), Labcorp); PubMed 10521295 (cited by 3 submitters); PubMed 10790206 (cited by Labcorp Genetics (formerly Invitae), Labcorp and OMIM); PubMed 11978883 (cited by Labcorp Genetics (formerly Invitae), Labcorp); PubMed 11978884 (cited by Labcorp Genetics (formerly Invitae), Labcorp and Counsyl); PubMed 12647253 (cited by Labcorp Genetics (formerly Invitae), Labcorp); PubMed 12694189 (cited by Counsyl); Gitzelmann, R. Hereditary galactokinase deficiency, a newly recognized cause of juvenile cataracts. Pediat. Res. 1: 14-23, 1967. (cited by OMIM); PubMed 15322984 (cited by OMIM).

NM_000154.2(GALK1):c.82C>A (p.Pro28Thr)

Gene: GALK1 (galactokinase 1; minus strand). Cytogenetic location: 17q25.1.
Variant type: single nucleotide variant.
Coding change: c.82C>A on transcript NM_000154.2 (MANE Select); coding-DNA position 82, C replaced by A.
Protein change: p.Pro28Thr; replaces proline 28 with threonine.
Molecular consequence: missense variant.
Genome position (GRCh38, 1-based): chr17:75,765,055, G>T on the plus strand (C>A on the coding strand, the complement: GALK1 is on the minus strand). VCF-style: chr17-75765055-G-T. GRCh37 (hg19) VCF-style: chr17-73761136-G-T.
Other names: short protein forms P28T.
Identifiers: ClinVar variation 5630 (VCV000005630.52), dbSNP rs104894572, ClinGen allele CA117658.
Genomic context (GRCh38, chr17:75,765,055, plus strand): 5'-TGTAGTCCGTGTGTTCCCCGATGAGGTTGACGCGGCCCGGCGCTGACACGGCCAGCTCGG[G>T]CTCGGCCCCGAACTCCTCCCGGAAGGCTCGCCGGGCCTCGGCCAGCAGCTCCGCGACCTG-3'
Protein context (NP_000145.1, residues 18-38): RAFREEFGAE[Pro28Thr]ELAVSAPGRV